The following is an entry in ClinVar:

NM_015215.4(CAMTA1):c.2681C>A (p.Pro894Gln)

Gene: CAMTA1 (calmodulin binding transcription activator 1; plus strand). Cytogenetic location: 1p36.23.
Variant type: single nucleotide variant.
Coding change: c.2681C>A on transcript NM_015215.4 (MANE Select); coding-DNA position 2681, C replaced by A.
Protein change: p.Pro894Gln; replaces proline 894 with glutamine.
Molecular consequence: missense variant. On other transcripts: 5 prime UTR variant (6).
Genome position (GRCh38, 1-based): chr1:7,670,939, C>A. VCF-style: chr1-7670939-C-A. GRCh37 (hg19) VCF-style: chr1-7730999-C-A.
Other names: c.2591C>A, p.Pro864Gln (NM_001349608.2, NM_001349612.2); c.2681C>A, p.Pro894Gln (NM_001349609.2, NM_001349610.2); c.-248C>A (NM_001349614.1, NM_001349617.1, NM_001349620.1 and 3 more transcripts); short protein forms P894Q, P864Q.
Identifiers: ClinVar variation 806023 (VCV000806023.46), dbSNP rs368483417, ClinGen allele CA566706.

ClinVar aggregate classification (germline): Uncertain significance. Review status: criteria provided, multiple submitters, no conflicts (2 of 4 stars). 2 submissions from 2 submitters: Uncertain significance (2). Last evaluated 2026-01-12.

Allele frequency attached by ClinVar (database versions not stated): ExAC 0.00002; TOPMed 0.00003; ESP Exome Variant Server 0.00008.
gnomAD v4.1: 28 of 1,613,596 alleles (0.0017%); highest among the groups gnomAD compares: Non-Finnish European, 0.0017%; no homozygotes.

Submissions (2):

Labcorp Genetics (formerly Invitae), Labcorp
Classification: Uncertain significance. Last evaluated: 2026-01-12. Review status: criteria provided, single submitter. Criteria: Invitae Variant Classification Sherloc (09022015). Collection method: clinical testing. Allele origin: germline.
Comment: This sequence change replaces proline, which is neutral and non-polar, with glutamine, which is neutral and polar, at codon 894 of the CAMTA1 protein (p.Pro894Gln). The frequency data for this variant in the population databases is considered unreliable, as metrics indicate poor data quality at this position in the gnomAD database. This variant has not been reported in the literature in individuals affected with CAMTA1-related conditions. ClinVar contains an entry for this variant (Variation ID: 806023). Invitae Evidence Modeling of protein sequence and biophysical properties (such as structural, functional, and spatial information, amino acid conservation, physicochemical variation, residue mobility, and thermodynamic stability) indicates that this missense variant is expected to disrupt CAMTA1 protein function with a positive predictive value of 80%. In summary, the available evidence is currently insufficient to determine the role of this variant in disease. Therefore, it has been classified as a Variant of Uncertain Significance.

CeGaT Center for Human Genetics Tuebingen
Classification: Uncertain significance. Last evaluated: 2021-10-01. Review status: criteria provided, single submitter. Criteria: CeGaT Center For Human Genetics Tuebingen Variant Classification Criteria Version 2. Collection method: clinical testing. Allele origin: germline. Affected: yes. Observed: 2 variant alleles.